The following is an entry in ClinVar:

ClinVar aggregate classification (germline): Uncertain significance (1 of 4 stars; one submission).

Conditions:
Pulmonary hypertension, primary, 4. Identifiers: Orphanet 422, MedGen C3809198, MONDO:0014136, OMIM 615344.

Allele frequency attached by ClinVar (database versions not stated): gnomAD exomes below 0.00001.
gnomAD v4.1: 1 of 1,607,608 alleles (0.000062%); highest among the groups gnomAD compares: Non-Finnish European, 0.000085%; no homozygotes.

Submission:

Labcorp Genetics (formerly Invitae), Labcorp
Classification: Uncertain significance for Pulmonary hypertension, primary, 4. Last evaluated: 2021-12-07. Review status: criteria provided, single submitter. Criteria: Invitae Variant Classification Sherloc (09022015). Collection method: clinical testing. Allele origin: germline.
Comment: This sequence change replaces leucine, which is neutral and non-polar, with phenylalanine, which is neutral and non-polar, at codon 333 of the KCNK3 protein (p.Leu333Phe). This variant is not present in population databases (gnomAD no frequency). This variant has not been reported in the literature in individuals affected with KCNK3-related conditions. Algorithms developed to predict the effect of missense changes on protein structure and function are either unavailable or do not agree on the potential impact of this missense change (SIFT: "Deleterious"; PolyPhen-2: "Benign"; Align-GVGD: "Class C0"). In summary, the available evidence is currently insufficient to determine the role of this variant in disease. Therefore, it has been classified as a Variant of Uncertain Significance.

NM_002246.3(KCNK3):c.997C>T (p.Leu333Phe)

Gene: KCNK3 (potassium two pore domain channel subfamily K member 3; plus strand). Cytogenetic location: 2p23.3.
Variant type: single nucleotide variant.
Coding change: c.997C>T on transcript NM_002246.3 (MANE Select); coding-DNA position 997, C replaced by T.
Protein change: p.Leu333Phe; replaces leucine 333 with phenylalanine.
Molecular consequence: missense variant.
Genome position (GRCh38, 1-based): chr2:26,728,380, C>T. VCF-style: chr2-26728380-C-T. GRCh37 (hg19) VCF-style: chr2-26951248-C-T.
Other names: short protein forms L333F.
Identifiers: ClinVar variation 2037067 (VCV002037067.4), dbSNP rs1160897673, ClinGen allele CA346263206.